The following is an entry in ClinVar:

NM_000426.4(LAMA2):c.1207G>C (p.Val403Leu)

Gene: LAMA2 (laminin subunit alpha 2; plus strand). Cytogenetic location: 6q22.33.
Variant type: single nucleotide variant.
Coding change: c.1207G>C on transcript NM_000426.4 (MANE Select); coding-DNA position 1207, G replaced by C.
Protein change: p.Val403Leu; replaces valine 403 with leucine.
Molecular consequence: missense variant.
Genome position (GRCh38, 1-based): chr6:129,165,576, G>C. VCF-style: chr6-129165576-G-C. GRCh37 (hg19) VCF-style: chr6-129486721-G-C.
Other names: c.1207G>C, p.Val403Leu (NM_001079823.2); short protein forms V403L.
Identifiers: ClinVar variation 2147086 (VCV002147086.4), dbSNP rs768538467, ClinGen allele CA3992556.

ClinVar aggregate classification (germline): Uncertain significance (1 of 4 stars; one submission).

Conditions:
LAMA2-related muscular dystrophy (LAMA2-RD). Also called: Laminin alpha 2-related dystrophy. Identifiers: MedGen C5679788, MONDO:0100228.

Allele frequency attached by ClinVar (database versions not stated): ExAC 0.00002.
gnomAD v4.1: 5 of 1,598,258 alleles (0.00031%); highest among the groups gnomAD compares: Non-Finnish European, 0.00043%; no homozygotes.

Submission:

Labcorp Genetics (formerly Invitae), Labcorp
Classification: Uncertain significance for LAMA2-related muscular dystrophy. Last evaluated: 2022-07-03. Review status: criteria provided, single submitter. Criteria: Invitae Variant Classification Sherloc (09022015). Collection method: clinical testing. Allele origin: germline.
Comment: This variant is present in population databases (rs768538467, gnomAD 0.002%). In summary, the available evidence is currently insufficient to determine the role of this variant in disease. Therefore, it has been classified as a Variant of Uncertain Significance. Algorithms developed to predict the effect of sequence changes on RNA splicing suggest that this variant may disrupt the consensus splice site. Algorithms developed to predict the effect of missense changes on protein structure and function (SIFT, PolyPhen-2, Align-GVGD) all suggest that this variant is likely to be tolerated. This variant has not been reported in the literature in individuals affected with LAMA2-related conditions. This sequence change replaces valine, which is neutral and non-polar, with leucine, which is neutral and non-polar, at codon 403 of the LAMA2 protein (p.Val403Leu).